The following is an entry in ClinVar:

ClinVar aggregate classification (germline): Pathogenic (1 of 4 stars; one submission).

Conditions:
Cobalamin C disease. Also called: Methylmalonic aciduria and homocystinuria, Vitamin B12-responsive; Vitamin B12 metabolic defect with combined deficiency of methylmalonyl-CoA mutase and homocysteine:methyltetrahydrofolate methyltransferase; Cobalamin-C methylmalonic acidemia and homocystinuria; Methylmalonic acidemia and homocystinuria cblC type; methylmalonic aciduria and homocystinuria type cblC; Methylmalonic aciduria with homocystinuria cblC type. Identifiers: Orphanet 26, Orphanet 79282, MedGen C1848561, MONDO:0010184, OMIM 277400.

Submission:

Labcorp Genetics (formerly Invitae), Labcorp
Classification: Pathogenic for Cobalamin C disease. Last evaluated: 2021-10-03. Review status: criteria provided, single submitter. Criteria: Invitae Variant Classification Sherloc (09022015). Collection method: clinical testing. Allele origin: germline.
Comment: This sequence change creates a premature translational stop signal (p.Ser216*) in the MMACHC gene. While this is not anticipated to result in nonsense mediated decay, it is expected to disrupt the last 67 amino acid(s) of the MMACHC protein. This variant is not present in population databases (ExAC no frequency). This variant has not been reported in the literature in individuals affected with MMACHC-related conditions. This variant disrupts a region of the MMACHC protein in which other variant(s) (p.Tyr222*) have been determined to be pathogenic (PMID: 16311595, 19767224, 30157807). This suggests that this is a clinically significant region of the protein, and that variants that disrupt it are likely to be disease-causing. For these reasons, this variant has been classified as Pathogenic.

Literature cited by the submitters: PubMed 16311595; PubMed 19767224; PubMed 30157807.

NM_015506.3(MMACHC):c.647_649del (p.Ser216_Glu217delinsTer)

Genes: MMACHC (metabolism of cobalamin associated C; plus strand), LOC129930446 (ATAC-STARR-seq lymphoblastoid active region 972; plus strand). Cytogenetic location: 1p34.1.
Variant type: Deletion.
Coding change: c.647_649del on transcript NM_015506.3 (MANE Select); coding-DNA positions 647 to 649, 3 bases deleted (CAG; older notation c.647_649delCAG).
Protein change: p.Ser216_Glu217delinsTer.
Molecular consequence: nonsense.
Genome position (GRCh38, 1-based): chr1:45,509,013-45,509,015, CAG deleted. VCF-style (leftmost placement, unchanged base first): chr1-45509012-TCAG-T. GRCh37 (hg19) VCF-style: chr1-45974684-TCAG-T.
Other names: c.476_478del, p.Ser159_Glu160delinsTer (NM_001330540.2).
Identifiers: ClinVar variation 1451201 (VCV001451201.6), dbSNP rs2149323994, ClinGen allele CA2573132355.